The following is an entry in ClinVar:

ClinVar aggregate classification (germline): Pathogenic (1 of 4 stars; one submission).

Conditions:
Long chain 3-hydroxyacyl-CoA dehydrogenase deficiency. Also called: Deficiency of long-chain 3-hydroxyacyl-coenzyme A dehydrogenase; LCHAD Deficiency. Identifiers: Orphanet 5, MedGen C3711645, MONDO:0012173, OMIM 609016.

Submission:

Myriad Genetics, Inc.
Classification: Pathogenic for Long chain 3-hydroxyacyl-CoA dehydrogenase deficiency. Last evaluated: 2025-09-18. Review status: criteria provided, single submitter. Criteria: Myriad Autosomal Dominant, Autosomal Recessive and X-Linked Classification Criteria (2023). Collection method: clinical testing. Allele origin: unknown.
Comment: NM_000182.4(HADHA):c.535_538delTTAC(L179Qfs*21) is expected to be pathogenic in the context of HADHA-related disorders. This variant is predicted to lead to an abnormal or absent protein product due to the creation of a premature termination codon in HADHA, a gene where loss-of-function variants are known to be pathogenic. Please note: this variant was assessed in the context of healthy population screening.

NM_000182.5(HADHA):c.535_538del (p.Leu179fs)

Gene: HADHA (hydroxyacyl-CoA dehydrogenase trifunctional multienzyme complex subunit alpha; minus strand). Cytogenetic location: 2p23.3.
Variant type: Deletion.
Coding change: c.535_538del on transcript NM_000182.5 (MANE Select); coding-DNA positions 535 to 538, 4 bases deleted (TTAC; older notation c.535_538delTTAC).
Protein change: p.Leu179fs; shifts the reading frame from leucine 179.
Molecular consequence: frameshift variant.
Genome position (GRCh38, 1-based): chr2:26,232,195-26,232,198, GTAA deleted on the plus strand (TTAC on the coding strand, the reverse complement: HADHA is on the minus strand); deleting any 4 consecutive bases within chr2:26,232,195-26,232,199 gives the same sequence; the c. name uses the placement nearest the transcript's 3' end. VCF-style (leftmost placement, unchanged base first): chr2-26232194-GGTAA-G. GRCh37 (hg19) VCF-style: chr2-26455062-GGTAA-G.
Other names: short protein forms L179fs.
Identifiers: ClinVar variation 5014992 (VCV005014992.1).